The following is an entry in ClinVar:

ClinVar aggregate classification (germline): Pathogenic (1 of 4 stars; one submission).

Conditions:
Mitochondrial trifunctional protein deficiency. Identifiers: Orphanet 746, MedGen C1969443, MONDO:0012172.
Long chain 3-hydroxyacyl-CoA dehydrogenase deficiency. Also called: Deficiency of long-chain 3-hydroxyacyl-coenzyme A dehydrogenase; LCHAD Deficiency. Identifiers: Orphanet 5, MedGen C3711645, MONDO:0012173, OMIM 609016.

Submission:

Labcorp Genetics (formerly Invitae), Labcorp
Classification: Pathogenic for Mitochondrial trifunctional protein deficiency; Long chain 3-hydroxyacyl-CoA dehydrogenase deficiency. Last evaluated: 2020-07-28. Review status: criteria provided, single submitter. Criteria: Invitae Variant Classification Sherloc (09022015). Collection method: clinical testing. Allele origin: germline.
Comment: This variant is an out-of-frame deletion of the genomic region encompassing exon(s) 15-17 of the HADHA gene. This is expected to create a premature translational stop signal and result in an absent or disrupted protein product. This variant has not been reported in the literature in individuals with HADHA-related conditions. Loss-of-function variants in HADHA are known to be pathogenic (PMID: 7738175, 21103935, 21549624, 22459206). For these reasons, this variant has been classified as Pathogenic.

Literature cited by the submitters: PubMed 7738175; PubMed 21103935; PubMed 21549624; PubMed 22459206.

NC_000002.11:g.(?_26416436)_(26418111_?)del

Gene: HADHA (hydroxyacyl-CoA dehydrogenase trifunctional multienzyme complex subunit alpha; minus strand). Cytogenetic location: 2p23.3.
Variant type: Deletion.
Identifiers: ClinVar variation 1070607 (VCV001070607.1).